The following is an entry in ClinVar:

ClinVar aggregate classification (germline): Uncertain significance (1 of 4 stars; one submission).

Conditions:
Tietz syndrome (TADS). Also called: HYPOPIGMENTATION/DEAFNESS OF TIETZ; TIETZ ALBINISM-DEAFNESS SYNDROME; ALBINISM-DEAFNESS OF TIETZ. Identifiers: Orphanet 42665, MedGen C0391816, MONDO:0007077, OMIM 103500.
Waardenburg syndrome type 2A (WS2A). Also called: WAARDENBURG SYNDROME WITHOUT DYSTOPIA CANTHORUM. Identifiers: Orphanet 3440, MedGen C1860339, MONDO:0008671, OMIM 193510.
Melanoma, cutaneous malignant, susceptibility to, 8. Also called: MELANOMA AND RENAL CELL CARCINOMA, SUSCEPTIBILITY TO; Cutaneous malignant melanoma 8. Identifiers: Orphanet 293822, MedGen C3152204, MONDO:0013759, OMIM 614456.

Submission:

Labcorp Genetics (formerly Invitae), Labcorp
Classification: Uncertain significance for Melanoma, cutaneous malignant, susceptibility to, 8; Waardenburg syndrome type 2A; Tietz syndrome. Last evaluated: 2024-06-21. Review status: criteria provided, single submitter. Criteria: Invitae Variant Classification Sherloc (09022015). Collection method: clinical testing. Allele origin: germline.
Comment: This sequence change replaces glycine, which is neutral and non-polar, with valine, which is neutral and non-polar, at codon 387 of the MITF protein (p.Gly387Val). This variant is not present in population databases (gnomAD no frequency). This variant has not been reported in the literature in individuals affected with MITF-related conditions. Advanced modeling of protein sequence and biophysical properties (such as structural, functional, and spatial information, amino acid conservation, physicochemical variation, residue mobility, and thermodynamic stability) performed at Invitae indicates that this missense variant is not expected to disrupt MITF protein function with a negative predictive value of 80%. In summary, the available evidence is currently insufficient to determine the role of this variant in disease. Therefore, it has been classified as a Variant of Uncertain Significance.

NM_001354604.2(MITF):c.1481G>T (p.Gly494Val)

Gene: MITF (melanocyte inducing transcription factor; plus strand). Cytogenetic location: 3p13.
Variant type: single nucleotide variant.
Coding change: c.1481G>T on transcript NM_001354604.2 (MANE Select); coding-DNA position 1481, G replaced by T.
Protein change: p.Gly494Val; replaces glycine 494 with valine.
Molecular consequence: missense variant.
Genome position (GRCh38, 1-based): chr3:69,965,148, G>T. VCF-style: chr3-69965148-G-T. GRCh37 (hg19) VCF-style: chr3-70014299-G-T.
Other names: c.1160G>T, p.Gly387Val (NM_000248.4); c.1307G>T, p.Gly436Val (NM_001184967.2, NM_001354608.2); c.1478G>T, p.Gly493Val (NM_001354605.2); c.1460G>T, p.Gly487Val (NM_001354606.2, NM_006722.3); c.1412G>T, p.Gly471Val (NM_001354607.2); c.1142G>T, p.Gly381Val (NM_198158.3); c.1463G>T, p.Gly488Val (NM_198159.3); c.1415G>T, p.Gly472Val (NM_198177.3); and 1 more; short protein forms G325V, G381V, G387V, G436V, G471V, G472V, G487V, G488V.
Identifiers: ClinVar variation 3756903 (VCV003756903.2).
Genomic context (GRCh38, chr3:69,965,148, plus strand): 5'-CCACAAAAATGGGATCCAAACTGGAAGACATCCTGATGGACGACACCCTTTCTCCCGTCG[G>T]TGTCACTGATCCACTCCTTTCCTCAGTGTCCCCCGGAGCTTCCAAAACAAGCAGCCGGAG-3'
Protein context (NP_001341533.1, residues 484-504): ILMDDTLSPV[Gly494Val]VTDPLLSSVS